The following is an entry in ClinVar:

ClinVar aggregate classification (germline): Uncertain significance (1 of 4 stars; one submission).

gnomAD v4.1: 2 of 1,611,832 alleles (0.00012%); highest among the groups gnomAD compares: Non-Finnish European, 0.00017%; no homozygotes.

Submission:

GeneDx
Classification: Uncertain significance. Last evaluated: 2025-07-17. Review status: criteria provided, single submitter. Criteria: GeneDx Variant Classification Process June 2021. Collection method: clinical testing. Allele origin: germline. Affected: yes.
Comment: Not observed at significant frequency in large population cohorts (gnomAD); In silico analysis supports that this missense variant has a deleterious effect on protein structure/function; Has not been previously published as pathogenic or benign to our knowledge

NM_182925.5(FLT4):c.2428A>G (p.Thr810Ala)

Genes: FLT4 (fms related receptor tyrosine kinase 4; minus strand), LOC126807632 (CDK7 strongly-dependent group 2 enhancer GRCh37_chr5:180046831-180048030; plus strand). Cytogenetic location: 5q35.3.
Variant type: single nucleotide variant.
Coding change: c.2428A>G on transcript NM_182925.5 (MANE Select); coding-DNA position 2428, A replaced by G.
Protein change: p.Thr810Ala; replaces threonine 810 with alanine.
Molecular consequence: missense variant.
Genome position (GRCh38, 1-based): chr5:180,620,287, T>C on the plus strand (A>G on the coding strand, the complement: FLT4 is on the minus strand). VCF-style: chr5-180620287-T-C. GRCh37 (hg19) VCF-style: chr5-180047287-T-C.
Other names: c.2428A>G, p.Thr810Ala (NM_001354989.2, NM_002020.5); short protein forms T810A.
Identifiers: ClinVar variation 4686237 (VCV004686237.1).